The following is an entry in ClinVar:

ClinVar aggregate classification (germline): Benign/Likely benign. Review status: criteria provided, multiple submitters, no conflicts (2 of 4 stars). 9 submissions from 9 submitters: Benign (5); Likely benign (2). 2 of the submissions do not count toward it. Last evaluated 2026-07-01.

Conditions:
Donnai-Barrow syndrome. Also called: FACIOOCULOACOUSTICORENAL SYNDROME; DBS/FOAR SYNDROME. Identifiers: Orphanet 2143, MedGen C1857277, MONDO:0009104, OMIM 222448.

Allele frequency attached by ClinVar (database versions not stated): gnomAD 0.00779 and 0.00790; 1000 Genomes Project 30x 0.00843; TOPMed 0.00863; gnomAD exomes 0.00663 and 0.00712; ESP Exome Variant Server 0.00692; 1000 Genomes Project 0.00759; ExAC 0.00759.
gnomAD v4.1: 11,042 of 1,614,036 alleles (0.68%); highest among the groups gnomAD compares: Middle Eastern, 2.5%; 55 homozygotes.

Submissions (16):

CeGaT Center for Human Genetics Tuebingen
Classification: Likely benign. Last evaluated: 2026-07-01. Review status: criteria provided, single submitter. Criteria: CeGaT Center For Human Genetics Tuebingen Variant Classification Criteria Version 2. Collection method: clinical testing. Allele origin: germline. Affected: yes. Observed: 35 variant alleles.
Comment: LRP2: BP4, BS2

Labcorp Genetics (formerly Invitae), Labcorp
Classification: Benign. Last evaluated: 2026-02-02. Review status: criteria provided, single submitter. Criteria: Invitae Variant Classification Sherloc (09022015). Collection method: clinical testing. Allele origin: germline.

Blueprint Genetics
Classification: Likely benign. Last evaluated: 2024-11-26. Review status: criteria provided, single submitter. Criteria: ACMG Guidelines, 2015. Collection method: clinical testing. Allele origin: germline.

Women's Health and Genetics/Laboratory Corporation of America, LabCorp
Classification: Benign. Last evaluated: 2022-02-23. Review status: criteria provided, single submitter. Criteria: LabCorp Variant Classification Summary - May 2015. Collection method: clinical testing. Allele origin: germline.
Comment: Variant summary: LRP2 c.13803G>A (p.Met4601Ile) results in a conservative amino acid change in the encoded protein sequence. Four of five in-silico tools predict a benign effect of the variant on protein function. 4/4 computational tools predict no significant impact on normal splicing. However, these predictions have yet to be confirmed by functional studies. The variant allele was found at a frequency of 0.0071 in 251230 control chromosomes in the gnomAD database, including 8 homozygotes. The observed variant frequency is approximately 6.4 fold of the estimated maximal expected allele frequency for a pathogenic variant in LRP2 causing Donnai Barrow Syndrome phenotype (0.0011), strongly suggesting that the variant is benign. Although it appears in the literature, to our knowledge, no penetrant association of c.13803G>A in individuals affected with Donnai Barrow Syndrome and no supporting experimental evidence demonstrating its impact on protein function have been reported. Three clinical diagnostic laboratories have submitted clinical-significance assessments for this variant to ClinVar after 2014 without evidence for independent evaluation. All laboratories classified the variant as benign. Based on the evidence outlined above, the variant was classified as benign.

Genome-Nilou Lab
Classification: Benign for Donnai-Barrow syndrome. Last evaluated: 2021-07-15. Review status: criteria provided, single submitter. Criteria: ACMG Guidelines, 2015. Collection method: clinical testing. Allele origin: germline. Affected: no.

Illumina Laboratory Services, Illumina
Classification: Benign for Donnai-Barrow syndrome. Last evaluated: 2018-01-12. Review status: criteria provided, single submitter. Criteria: ICSL Variant Classification Criteria 13 December 2019. Collection method: clinical testing. Allele origin: germline.
Comment: This variant was observed in the ICSL laboratory as part of a predisposition screen in an ostensibly healthy population. It had not been previously curated by ICSL or reported in the Human Gene Mutation Database (HGMD: prior to June 1st, 2018), and was therefore a candidate for classification through an automated scoring system. Utilizing variant allele frequency, disease prevalence and penetrance estimates, and inheritance mode, an automated score was calculated to assess if this variant is too frequent to cause the disease. Based on the score and internal cut-off values, a variant classified as benign is not then subjected to further curation. The score for this variant resulted in a classification of benign for this disease.

Breakthrough Genomics
Classification: Benign. Review status: criteria provided, single submitter. Criteria: ACMG Guidelines, 2015. Collection method: not provided. Allele origin: germline. Inheritance: Autosomal recessive inheritance. Affected: yes.

Clinical Genetics DNA and cytogenetics Diagnostics Lab, Erasmus MC, Erasmus Medical Center
Classification: Likely benign. Review status: no assertion criteria provided. Collection method: clinical testing. Allele origin: germline. Affected: yes. Study: VKGL Data-share Consensus. Not counted in ClinVar's aggregate classification.

Dr. Peter K. Rogan Lab, Western University
No classification provided (evidence only). Condition: Clear cell carcinoma of kidney. Review status: no classification provided. Collection method: in vitro. Allele origin: not applicable. Functional consequence: retained intron. Not counted in ClinVar's aggregate classification.

Dr. Peter K. Rogan Lab, Western University
No classification provided (evidence only). Condition: Clear cell carcinoma of kidney. Review status: no classification provided. Collection method: in vitro. Allele origin: not applicable. Functional consequence: retained intron. Not counted in ClinVar's aggregate classification.

Dr. Peter K. Rogan Lab, Western University
No classification provided (evidence only). Condition: Clear cell carcinoma of kidney. Review status: no classification provided. Collection method: in vitro. Allele origin: not applicable. Functional consequence: retained intron. Not counted in ClinVar's aggregate classification.

Dr. Peter K. Rogan Lab, Western University
No classification provided (evidence only). Condition: Clear cell carcinoma of kidney. Review status: no classification provided. Collection method: in vitro. Allele origin: not applicable. Functional consequence: retained intron. Not counted in ClinVar's aggregate classification.

Dr. Peter K. Rogan Lab, Western University
No classification provided (evidence only). Condition: Lung cancer. Review status: no classification provided. Collection method: in vitro. Allele origin: not applicable. Functional consequence: retained intron. Not counted in ClinVar's aggregate classification.

Dr. Peter K. Rogan Lab, Western University
No classification provided (evidence only). Condition: Thyroid cancer, nonmedullary, 1. Review status: no classification provided. Collection method: in vitro. Allele origin: not applicable. Functional consequence: retained intron. Not counted in ClinVar's aggregate classification.

Dr. Peter K. Rogan Lab, Western University
No classification provided (evidence only). Condition: Malignant tumor of esophagus. Review status: no classification provided. Collection method: in vitro. Allele origin: not applicable. Functional consequence: retained intron. Not counted in ClinVar's aggregate classification.

Laboratory of Diagnostic Genome Analysis, Leiden University Medical Center (LUMC)
Classification: Likely benign. Review status: no assertion criteria provided. Collection method: clinical testing. Allele origin: germline. Affected: yes. Study: VKGL Data-share Consensus. Not counted in ClinVar's aggregate classification.

NM_004525.3(LRP2):c.13803G>A (p.Met4601Ile)

Gene: LRP2 (LDL receptor related protein 2; minus strand). Cytogenetic location: 2q31.1.
Variant type: single nucleotide variant.
Coding change: c.13803G>A on transcript NM_004525.3 (MANE Select); coding-DNA position 13803, G replaced by A.
Protein change: p.Met4601Ile; replaces methionine 4601 with isoleucine.
Molecular consequence: missense variant.
Genome position (GRCh38, 1-based): chr2:169,128,828, C>T on the plus strand (G>A on the coding strand, the complement: LRP2 is on the minus strand). VCF-style: chr2-169128828-C-T. GRCh37 (hg19) VCF-style: chr2-169985338-C-T.
Other names: short protein forms M4601I.
Identifiers: ClinVar variation 332068 (VCV000332068.46), dbSNP rs34564141, ClinGen allele CA1952405.